The following is an entry in ClinVar:

NM_004006.3(DMD):c.1812+1G>T

Gene: DMD (dystrophin; minus strand). Cytogenetic location: Xp21.1.
Variant type: single nucleotide variant.
Coding change: c.1812+1G>T on transcript NM_004006.3 (MANE Select); the canonical splice donor site of the intron after coding-DNA position 1812, G replaced by T.
Molecular consequence: splice donor variant.
Genome position (GRCh38, 1-based): chrX:32,573,529, C>A on the plus strand (G>T on the coding strand, the complement: DMD is on the minus strand). VCF-style: chrX-32573529-C-A. GRCh37 (hg19) VCF-style: chrX-32591646-C-A.
Other names: c.1788+1G>T (NM_000109.4); c.1800+1G>T (NM_004009.3); c.1443+1G>T (NM_004010.3); c.1812+1G>T (NM_004006.2).
Identifiers: ClinVar variation 1919125 (VCV001919125.6), dbSNP rs373286166, ClinGen allele CA412673062.

ClinVar aggregate classification (germline): Pathogenic. Review status: criteria provided, multiple submitters, no conflicts (2 of 4 stars). 2 submissions from 2 submitters: Pathogenic (2). Last evaluated 2025-12-18.

Conditions:
Duchenne muscular dystrophy (DMD). Also called: MUSCULAR DYSTROPHY, PSEUDOHYPERTROPHIC PROGRESSIVE, DUCHENNE TYPE; Duchenne Muscular Dystrophy (DMD). Identifiers: Orphanet 98896, MedGen C0013264, MONDO:0010679, OMIM 310200.
Becker muscular dystrophy, Cardiomyopathy, Duchenne muscular dystrophy, Dystrophin deficiency.

Submissions (2):

Natera, Inc.
Classification: Pathogenic for Becker muscular dystrophy, Cardiomyopathy, Duchenne muscular dystrophy, Dystrophin deficiency. Last evaluated: 2025-12-18. Review status: criteria provided, single submitter. Criteria: Natera Variant Classification Schema (03/2026). Collection method: clinical testing. Allele origin: germline.
Comment: The c.1812+1G>T variant in DMD is a canonical splice donor site variant predicted to affect pre-mRNA splicing, which may result in an abnormal transcript and altered protein product. This variant is expected to result in nonsense mediated decay, truncation, or a dysfunctional protein product. This variant is rare in the general population with a frequency below the threshold expected for the associated phenotype(s). Another variant at this same site results in an alteration predicted to cause a similar molecular effect has been observed in individual(s) with the associated phenotype. Given the available evidence, this variant is classified as Pathogenic.

Labcorp Genetics (formerly Invitae), Labcorp
Classification: Pathogenic for Duchenne muscular dystrophy. Last evaluated: 2024-04-15. Review status: criteria provided, single submitter. Criteria: Invitae Variant Classification Sherloc (09022015). Collection method: clinical testing. Allele origin: germline.
Comment: This sequence change affects a donor splice site in intron 15 of the DMD gene. It is expected to disrupt RNA splicing. Variants that disrupt the donor or acceptor splice site typically lead to a loss of protein function (PMID: 16199547), and loss-of-function variants in DMD are known to be pathogenic (PMID: 16770791, 25007885). This variant is not present in population databases (gnomAD no frequency). Disruption of this splice site has been observed in individuals with Becker or Duchenne muscular dystrophy (PMID: 17259292, 19937601, 27930565, 32194622). ClinVar contains an entry for this variant (Variation ID: 1919125). Algorithms developed to predict the effect of sequence changes on RNA splicing suggest that this variant may disrupt the consensus splice site. For these reasons, this variant has been classified as Pathogenic.

Literature cited by the submitters: PubMed 16199547 (cited by Labcorp Genetics (formerly Invitae), Labcorp); PubMed 16770791 (cited by Labcorp Genetics (formerly Invitae), Labcorp); PubMed 25007885 (cited by Labcorp Genetics (formerly Invitae), Labcorp); PubMed 17259292 (cited by Labcorp Genetics (formerly Invitae), Labcorp); PubMed 19937601 (cited by Labcorp Genetics (formerly Invitae), Labcorp); PubMed 27930565 (cited by Labcorp Genetics (formerly Invitae), Labcorp); PubMed 32194622 (cited by Labcorp Genetics (formerly Invitae), Labcorp).